The following is an entry in ClinVar:

NM_001378328.1(CELSR1):c.5958A>G (p.Gln1986=)

Gene: CELSR1 (cadherin EGF LAG seven-pass G-type receptor 1; minus strand). Cytogenetic location: 22q13.31.
Variant type: single nucleotide variant.
Coding change: c.5958A>G on transcript NM_001378328.1 (MANE Select); coding-DNA position 5958, A replaced by G.
Protein change: p.Gln1986=; no amino-acid change (glutamine 1986 retained).
Molecular consequence: synonymous variant.
Genome position (GRCh38, 1-based): chr22:46,394,148, T>C on the plus strand (A>G on the coding strand, the complement: CELSR1 is on the minus strand). VCF-style: chr22-46394148-T-C. GRCh37 (hg19) VCF-style: chr22-46790045-T-C.
Other names: c.5958A>G, p.Gln1986= (NM_014246.4).
Identifiers: ClinVar variation 2653326 (VCV002653326.24), dbSNP rs142450655, ClinGen allele CA10294021.

ClinVar aggregate classification (germline): Likely benign (1 of 4 stars; one submission).

Allele frequency attached by ClinVar (database versions not stated): ExAC 0.00010; gnomAD 0.00010; TOPMed 0.00012; ESP Exome Variant Server 0.00015.
gnomAD v4.1: 300 of 1,613,650 alleles (0.019%); highest among the groups gnomAD compares: Non-Finnish European, 0.022%; no homozygotes.

Submission:

CeGaT Center for Human Genetics Tuebingen
Classification: Likely benign. Last evaluated: 2022-04-01. Review status: criteria provided, single submitter. Criteria: CeGaT Center For Human Genetics Tuebingen Variant Classification Criteria Version 2. Collection method: clinical testing. Allele origin: germline. Affected: yes. Observed: 1 variant allele.
Comment: CELSR1: BP4, BP7